The following is an entry in ClinVar:

NM_014014.5(SNRNP200):c.1145T>G (p.Val382Gly)

Gene: SNRNP200 (small nuclear ribonucleoprotein U5 subunit 200; minus strand). Cytogenetic location: 2q11.2.
Variant type: single nucleotide variant.
Coding change: c.1145T>G on transcript NM_014014.5 (MANE Select); coding-DNA position 1145, T replaced by G.
Protein change: p.Val382Gly; replaces valine 382 with glycine.
Molecular consequence: missense variant.
Genome position (GRCh38, 1-based): chr2:96,297,695, A>C on the plus strand (T>G on the coding strand, the complement: SNRNP200 is on the minus strand). VCF-style: chr2-96297695-A-C. GRCh37 (hg19) VCF-style: chr2-96963433-A-C.
Other names: short protein forms V382G.
Identifiers: ClinVar variation 4695570 (VCV004695570.1).

ClinVar aggregate classification (germline): Uncertain significance (1 of 4 stars; one submission).

Submission:

Labcorp Genetics (formerly Invitae), Labcorp
Classification: Uncertain significance. Last evaluated: 2025-02-10. Review status: criteria provided, single submitter. Criteria: Invitae Variant Classification Sherloc (09022015). Collection method: clinical testing. Allele origin: germline.
Comment: This sequence change replaces valine, which is neutral and non-polar, with glycine, which is neutral and non-polar, at codon 382 of the SNRNP200 protein (p.Val382Gly). This variant is not present in population databases (gnomAD no frequency). This variant has not been reported in the literature in individuals affected with SNRNP200-related conditions. Invitae Evidence Modeling of protein sequence and biophysical properties (such as structural, functional, and spatial information, amino acid conservation, physicochemical variation, residue mobility, and thermodynamic stability) indicates that this missense variant is not expected to disrupt SNRNP200 protein function with a negative predictive value of 95%. In summary, the available evidence is currently insufficient to determine the role of this variant in disease. Therefore, it has been classified as a Variant of Uncertain Significance.